The following is an entry in ClinVar:

ClinVar aggregate classification (germline): Uncertain significance. Review status: criteria provided, multiple submitters, no conflicts (2 of 4 stars). 3 submissions from 2 submitters: Uncertain significance (3). Last evaluated 2022-02-09.

Conditions:
Jeune thoracic dystrophy. Also called: Jeune syndrome; Infantile thoracic dystrophy; Thoracic pelvic phalangeal dystrophy; Jeune's syndrome; Chondroectodermal dysplasia-like syndrome; Short-rib thoracic dysplasia. Identifiers: Orphanet 474, MedGen C0265275, MONDO:0018770.
Nephronophthisis. Also called: Juvenile Nephronophthisis. Identifiers: Orphanet 655, MedGen C0687120, MONDO:0019005, HP:0000090.
Nephronophthisis 12 (NPHP12). Identifiers: Orphanet 655, MedGen C3151186, MONDO:0013442, OMIM 613820.
Asphyxiating thoracic dystrophy 4 (SRTD4). Also called: SHORT-RIB THORACIC DYSPLASIA 4 WITH OR WITHOUT POLYDACTYLY; SHORT-RIB THORACIC DYSPLASIA 4. Identifiers: Orphanet 474, MedGen C3151185, MONDO:0013441, OMIM 613819.

Allele frequency attached by ClinVar (database versions not stated): gnomAD 0.00001.
gnomAD v4.1: 4 of 1,613,692 alleles (0.00025%); highest among the groups gnomAD compares: Middle Eastern, 0.033%; no homozygotes.

Submissions (3):

Labcorp Genetics (formerly Invitae), Labcorp
Classification: Uncertain significance for Jeune thoracic dystrophy; Nephronophthisis. Last evaluated: 2022-02-09. Review status: criteria provided, single submitter. Criteria: Invitae Variant Classification Sherloc (09022015). Collection method: clinical testing. Allele origin: germline.
Comment: ClinVar contains an entry for this variant (Variation ID: 894260). In summary, the available evidence is currently insufficient to determine the role of this variant in disease. Therefore, it has been classified as a Variant of Uncertain Significance. Algorithms developed to predict the effect of missense changes on protein structure and function are either unavailable or do not agree on the potential impact of this missense change (SIFT: "Deleterious"; PolyPhen-2: "Benign"; Align-GVGD: "Class C0"). This variant has not been reported in the literature in individuals affected with TTC21B-related conditions. This variant is present in population databases (no rsID available, gnomAD 0.0009%). This sequence change replaces isoleucine, which is neutral and non-polar, with phenylalanine, which is neutral and non-polar, at codon 478 of the TTC21B protein (p.Ile478Phe).

Illumina Laboratory Services, Illumina
Classification: Uncertain significance for Asphyxiating thoracic dystrophy 4. Last evaluated: 2018-01-13. Review status: criteria provided, single submitter. Criteria: ICSL Variant Classification Criteria 13 December 2019. Collection method: clinical testing. Allele origin: germline.

Illumina Laboratory Services, Illumina
Classification: Uncertain significance for Nephronophthisis 12. Last evaluated: 2018-01-13. Review status: criteria provided, single submitter. Criteria: ICSL Variant Classification Criteria 13 December 2019. Collection method: clinical testing. Allele origin: germline.

NM_024753.5(TTC21B):c.1432A>T (p.Ile478Phe)

Gene: TTC21B (tetratricopeptide repeat domain 21B; minus strand). Cytogenetic location: 2q24.3.
Variant type: single nucleotide variant.
Coding change: c.1432A>T on transcript NM_024753.5 (MANE Select); coding-DNA position 1432, A replaced by T.
Protein change: p.Ile478Phe; replaces isoleucine 478 with phenylalanine.
Molecular consequence: missense variant.
Genome position (GRCh38, 1-based): chr2:165,924,633, T>A on the plus strand (A>T on the coding strand, the complement: TTC21B is on the minus strand). VCF-style: chr2-165924633-T-A. GRCh37 (hg19) VCF-style: chr2-166781143-T-A.
Other names: short protein forms I478F.
Identifiers: ClinVar variation 894260 (VCV000894260.8), dbSNP rs948455096, ClinGen allele CA59805044.